The following is an entry in ClinVar:

NM_194293.4(XIRP1):c.75T>A (p.Pro25=)

Gene: XIRP1 (xin actin binding repeat containing 1; minus strand). Cytogenetic location: 3p22.2.
Variant type: single nucleotide variant.
Coding change: c.75T>A on transcript NM_194293.4 (MANE Select); coding-DNA position 75, T replaced by A.
Protein change: p.Pro25=; no amino-acid change (proline 25 retained).
Molecular consequence: synonymous variant. On other transcripts: intron variant (1).
Genome position (GRCh38, 1-based): chr3:39,189,371, A>T on the plus strand (T>A on the coding strand, the complement: XIRP1 is on the minus strand). VCF-style: chr3-39189371-A-T. GRCh37 (hg19) VCF-style: chr3-39230862-A-T.
Other names: c.75T>A, p.Pro25= (NM_001198621.4); c.-168+3075T>A (NM_001351377.2).
Identifiers: ClinVar variation 3056819 (VCV003056819.2), dbSNP rs780166177, ClinGen allele CA433341671.

ClinVar aggregate classification (germline): Likely benign (0 of 4 stars; one submission).

Conditions:
XIRP1-related disorder. Also called: XIRP1-related condition.

Submission:

PreventionGenetics, part of Exact Sciences
Classification: Likely benign for XIRP1-related condition. Last evaluated: 2019-02-22. Review status: no assertion criteria provided. Collection method: clinical testing. Allele origin: germline.
Comment: This variant is classified as likely benign based on ACMG/AMP sequence variant interpretation guidelines (Richards et al. 2015 PMID: 25741868, with internal and published modifications).